The following is an entry in ClinVar:

NM_000051.4(ATM):c.5053A>C (p.Thr1685Pro)

Gene: ATM (ATM serine/threonine kinase; plus strand). Cytogenetic location: 11q22.3.
Variant type: single nucleotide variant.
Coding change: c.5053A>C on transcript NM_000051.4 (MANE Select); coding-DNA position 5053, A replaced by C.
Protein change: p.Thr1685Pro; replaces threonine 1685 with proline.
Molecular consequence: missense variant.
Genome position (GRCh38, 1-based): chr11:108,299,761, A>C. VCF-style: chr11-108299761-A-C. GRCh37 (hg19) VCF-style: chr11-108170488-A-C.
Other names: c.5053A>C, p.Thr1685Pro (NM_001351834.2); short protein forms T1685P.
Identifiers: ClinVar variation 1315352 (VCV001315352.7), dbSNP rs879254205, ClinGen allele CA382540463.
Genomic context (GRCh38, chr11:108,299,761, plus strand): 5'-TTTCTATATGTAGAGGCTGTTGGAAGCTGCTTGGGAGAAGTGGGTCCTATAGATTTCTCT[A>C]CCATAGCTATACAACATAGTAAAGATGCATCTTATACCAAGGCCCTTAAGTTATTTGAAG-3'
Protein context (NP_000042.3, residues 1675-1695): LGEVGPIDFS[Thr1685Pro]IAIQHSKDAS

ClinVar aggregate classification (germline): Uncertain significance. Review status: criteria provided, multiple submitters, no conflicts (2 of 4 stars). 4 submissions from 4 submitters: Uncertain significance (4). Last evaluated 2025-04-28.

Conditions:
Hereditary cancer-predisposing syndrome. Also called: Neoplastic Syndromes, Hereditary; Hereditary Cancer Syndrome; Tumor predisposition; Hereditary neoplastic syndrome. Identifiers: Orphanet 140162, MedGen C0027672, MeSH D009386, MONDO:0015356.
Familial cancer of breast. Also called: Hereditary breast cancer; hereditary breast carcinoma; BREAST CANCER, FAMILIAL. Identifiers: Orphanet 227535, MedGen C0346153, MONDO:0016419, OMIM 114480. Disease mechanism: loss of function.
Ataxia-telangiectasia syndrome (AT). Also called: Ataxia telangiectasia (A-T); LOUIS-BAR SYNDROME; AT, COMPLEMENTATION GROUP C; ATAXIA-TELANGIECTASIA, COMPLEMENTATION GROUP A; ATAXIA-TELANGIECTASIA, FRESNO VARIANT; Ataxia-telangiectasia. Identifiers: Orphanet 100, MedGen C0004135, MONDO:0008840, OMIM 208900.

Submissions (4):

KCCC/NGS Laboratory, Kuwait Cancer Control Center
Classification: Uncertain significance for Familial cancer of breast. Last evaluated: 2025-04-28. Review status: criteria provided, single submitter. Criteria: ACMG Guidelines, 2015. Collection method: clinical testing. Allele origin: germline. Inheritance: Autosomal dominant inheritance. Affected: yes. Observed: 1 heterozygote.
Comment: This sequence change replaces threonine, which is neutral and polar, with proline, which is neutral and non-polar, at codon 1685 of the ATM protein (p.Thr1685Pro). This variant is not present in population databases (gnomAD no frequency). This variant has not been reported in the literature in individuals affected with ATM-related conditions. ClinVar contains an entry for this variant (Variation ID: 1315352). An algorithm developed to predict the effect of missense changes on protein structure and function (PolyPhen-2) suggests that this variant is likely to be disruptive. Algorithms developed to predict the effect of sequence changes on RNA splicing suggest that this variant may create or strengthen a splice site. In summary, the available evidence is currently insufficient to determine the role of this variant in disease. Therefore, it has been classified as a Variant of Uncertain Significance.

Labcorp Genetics (formerly Invitae), Labcorp
Classification: Uncertain significance for Ataxia-telangiectasia syndrome. Last evaluated: 2023-10-04. Review status: criteria provided, single submitter. Criteria: Invitae Variant Classification Sherloc (09022015). Collection method: clinical testing. Allele origin: germline.
Comment: the same text as in the submission from KCCC/NGS Laboratory, Kuwait Cancer Control Center above.

Ambry Genetics
Classification: Uncertain significance for Hereditary cancer-predisposing syndrome. Last evaluated: 2022-02-02. Review status: criteria provided, single submitter. Criteria: Ambry Variant Classification Scheme 2023. Collection method: clinical testing. Allele origin: germline.
Comment: The p.T1685P variant (also known as c.5053A>C), located in coding exon 33 of the ATM gene, results from an A to C substitution at nucleotide position 5053. The threonine at codon 1685 is replaced by proline, an amino acid with highly similar properties. This amino acid position is conserved. In addition, this alteration is predicted to be deleterious by in silico analysis. Since supporting evidence is limited at this time, the clinical significance of this alteration remains unclear.

GeneDx
Classification: Uncertain significance. Last evaluated: 2020-02-03. Review status: criteria provided, single submitter. Criteria: GeneDx Variant Classification Process June 2021. Collection method: clinical testing. Allele origin: germline. Affected: yes.
Comment: Not observed in large population cohorts (Lek et al., 2016); In silico analysis supports that this missense variant has a deleterious effect on protein structure/function; Has not been previously published as pathogenic or benign to our knowledge